The following is an entry in ClinVar:

NC_000001.10:g.(?_865515)_(879533_?)dup

Gene: SAMD11 (sterile alpha motif domain containing 11; plus strand). Cytogenetic location: 1p36.33.
Variant type: Duplication.
Identifiers: ClinVar variation 1449536 (VCV001449536.5).

ClinVar aggregate classification (germline): Uncertain significance (1 of 4 stars; one submission).

Submission:

Labcorp Genetics (formerly Invitae), Labcorp
Classification: Uncertain significance. Last evaluated: 2022-03-10. Review status: criteria provided, single submitter. Criteria: Invitae Variant Classification Sherloc (09022015). Collection method: clinical testing. Allele origin: germline.
Comment: This variant results in a copy number gain of the genomic region encompassing exon(s) 3-14 of the SAMD11 gene. This region includes the termination codon of the gene. This copy number gain extends beyond the assayed region for this gene and therefore may encompass additional genes. As the precise location of this event is unknown, it may be in tandem or it may be located elsewhere in the genome. In summary, the available evidence is currently insufficient to determine the role of this variant in disease. Therefore, it has been classified as a Variant of Uncertain Significance. This variant has not been reported in the literature in individuals affected with SAMD11-related conditions.